The following is an entry in ClinVar:

ClinVar aggregate classification (germline): Uncertain significance (1 of 4 stars; one submission).

gnomAD v4.1: 15 of 1,608,056 alleles (0.00093%); highest among the groups gnomAD compares: Non-Finnish European, 0.0013%; no homozygotes.

Submission:

Labcorp Genetics (formerly Invitae), Labcorp
Classification: Uncertain significance. Last evaluated: 2026-01-27. Review status: criteria provided, single submitter. Criteria: Invitae Variant Classification Sherloc (09022015). Collection method: clinical testing. Allele origin: germline.
Comment: This sequence change replaces serine, which is neutral and polar, with arginine, which is basic and polar, at codon 3205 of the SPEG protein (p.Ser3205Arg). This variant is present in population databases (no rsID available, gnomAD 0.0009%). This variant has not been reported in the literature in individuals affected with SPEG-related conditions. An algorithm developed to predict the effect of missense changes on protein structure and function (PolyPhen-2) suggests that this variant is likely to be disruptive. In summary, the available evidence is currently insufficient to determine the role of this variant in disease. Therefore, it has been classified as a Variant of Uncertain Significance.

NM_005876.5(SPEG):c.9613A>C (p.Ser3205Arg)

Genes: ASIC4-AS1 (ASIC4 antisense RNA 1; minus strand), SPEG (striated muscle enriched protein kinase; plus strand). Cytogenetic location: 2q35.
Variant type: single nucleotide variant.
Coding change: c.9613A>C on transcript NM_005876.5 (MANE Select); coding-DNA position 9613, A replaced by C.
Protein change: p.Ser3205Arg; replaces serine 3205 with arginine.
Molecular consequence: missense variant.
Genome position (GRCh38, 1-based): chr2:219,492,595, A>C. VCF-style: chr2-219492595-A-C. GRCh37 (hg19) VCF-style: chr2-220357317-A-C.
Other names: short protein forms S3205R.
Identifiers: ClinVar variation 4763490 (VCV004763490.1).
Genomic context (GRCh38, chr2:219,492,595, plus strand): 5'-AGCCCCGGCAGCTCCCAGAGCTTCCTTCCAGGTTCATCATCCCTGGCTCTGCCTGGCAGG[A>C]GCCGGCCCTCCCTGCAGGACTGCCTGGCCCACCCATGGTTGCAGGACGCCTACCTGATGA-3'
Protein context (NP_005867.3, residues 3195-3215): LRKVLSVHPW[Ser3205Arg]RPSLQDCLAH